The following is an entry in ClinVar:

NM_012186.3(FOXE3):c.946G>A (p.Glu316Lys)

Genes: FOXE3 (forkhead box E3; plus strand), LINC01389 (long independently transcribed non-coding RNA 1389; minus strand). Cytogenetic location: 1p33.
Variant type: single nucleotide variant.
Coding change: c.946G>A on transcript NM_012186.3 (MANE Select); coding-DNA position 946, G replaced by A.
Protein change: p.Glu316Lys; replaces glutamic acid 316 with lysine.
Molecular consequence: missense variant.
Genome position (GRCh38, 1-based): chr1:47,417,261, G>A. VCF-style: chr1-47417261-G-A. GRCh37 (hg19) VCF-style: chr1-47882933-G-A.
Other names: c.946G>A (NM_012186.2); short protein forms E316K.
Identifiers: ClinVar variation 2140506 (VCV002140506.6), dbSNP rs939367653, ClinGen allele CA22069470.

ClinVar aggregate classification (germline): Uncertain significance. Review status: criteria provided, multiple submitters, no conflicts (2 of 4 stars). 3 submissions from 3 submitters: Uncertain significance (3). Last evaluated 2026-09-12.

Conditions:
Congenital primary aphakia. Also called: ANTERIOR SEGMENT DYSGENESIS 2; Anterior segment dysgenesis 2, multiple subtypes. Identifiers: Orphanet 83461, MedGen C1853230, MONDO:0012456, OMIM 610256.
Anterior segment dysgenesis. Also called: Ocular anterior segment dysgenesis. Identifiers: Orphanet 88632, MedGen C1862839, MONDO:0019503, HP:0007700.
Cardiovascular phenotype. Identifiers: MedGen CN230736.
FOXE3-related disorder. Also called: FOXE3-related condition.

Allele frequency attached by ClinVar (database versions not stated): gnomAD exomes 0.00001; TOPMed 0.00001.

Submissions (3):

Ambry Genetics
Classification: Uncertain significance for Cardiovascular phenotype. Last evaluated: 2026-09-12. Review status: criteria provided, single submitter. Criteria: Ambry Variant Classification Scheme 2023. Collection method: clinical testing. Allele origin: germline.
Comment: The p.E316K variant (also known as c.946G>A), located in coding exon 1 of the FOXE3 gene, results from a G to A substitution at nucleotide position 946. The glutamic acid at codon 316 is replaced by lysine, an amino acid with similar properties. This amino acid position is conserved. In addition, the in silico prediction for this alteration is inconclusive. Based on the available evidence, the clinical significance of this variant remains unclear.

Labcorp Genetics (formerly Invitae), Labcorp
Classification: Uncertain significance for Anterior segment dysgenesis; Congenital primary aphakia. Last evaluated: 2026-01-25. Review status: criteria provided, single submitter. Criteria: Invitae Variant Classification Sherloc (09022015). Collection method: clinical testing. Allele origin: germline.
Comment: This sequence change replaces glutamic acid, which is acidic and polar, with lysine, which is basic and polar, at codon 316 of the FOXE3 protein (p.Glu316Lys). This variant is not present in population databases (gnomAD no frequency). This variant has not been reported in the literature in individuals affected with FOXE3-related conditions. ClinVar contains an entry for this variant (Variation ID: 2140506). An algorithm developed to predict the effect of missense changes on protein structure and function (PolyPhen-2) suggests that this variant is likely to be disruptive. In summary, the available evidence is currently insufficient to determine the role of this variant in disease. Therefore, it has been classified as a Variant of Uncertain Significance.

PreventionGenetics, part of Exact Sciences
Classification: Uncertain significance for FOXE3-related condition. Last evaluated: 2025-07-03. Review status: criteria provided, single submitter. Criteria: ACMG Guidelines, 2015. Collection method: clinical testing. Allele origin: germline.
Comment: The FOXE3 c.946G>A variant is predicted to result in the amino acid substitution p.Glu316Lys. This variant occurs near the end of the terminal exon of FOXE3. To our knowledge, this variant has not been reported in the literature or in a large population database (gnomAD), indicating that it is rare. At this time, the clinical significance of this variant is uncertain due to the absence of conclusive functional and genetic evidence.